The following is an entry in ClinVar:

NM_000152.5(GAA):c.1357G>A (p.Gly453Arg)

Gene: GAA (alpha glucosidase; plus strand). Cytogenetic location: 17q25.3.
Variant type: single nucleotide variant.
Coding change: c.1357G>A on transcript NM_000152.5 (MANE Select); coding-DNA position 1357, G replaced by A.
Protein change: p.Gly453Arg; replaces glycine 453 with arginine.
Molecular consequence: missense variant.
Genome position (GRCh38, 1-based): chr17:80,109,975, G>A. VCF-style: chr17-80109975-G-A. GRCh37 (hg19) VCF-style: chr17-78083774-G-A.
Other names: c.1357G>A (LRG_673t1); c.1357G>A, p.Gly453Arg (NM_001079803.3, NM_001079804.3); short protein forms G453R.
Identifiers: ClinVar variation 526541 (VCV000526541.15), dbSNP rs550065979, ClinGen allele CA8815297.

ClinVar aggregate classification (germline): Uncertain significance. Review status: criteria provided, multiple submitters, no conflicts (2 of 4 stars). 6 submissions from 6 submitters: Uncertain significance (5). 1 of the submissions does not count toward it. Last evaluated 2026-07-01.

Conditions:
Glycogen storage disease, type II (IOPD). Also called: POMPE DISEASE, INFANTILE-ONSET; GLYCOGEN STORAGE DISEASE II, INFANTILE-ONSET; ACID ALPHA-GLUCOSIDASE DEFICIENCY, INFANTILE-ONSET; GAA DEFICIENCY, INFANTILE-ONSET; ACID MALTASE DEFICIENCY, INFANTILE-ONSET; CARDIOMEGALIA GLYCOGENICA DIFFUSA. Identifiers: Orphanet 365, MedGen C0017921, MONDO:0009290, OMIM 232300.

Allele frequency attached by ClinVar (database versions not stated): ExAC 0.00002; gnomAD exomes 0.00002; gnomAD 0.00010; 1000 Genomes Project 30x 0.00016; 1000 Genomes Project 0.00020.
gnomAD v4.1: 41 of 1,613,382 alleles (0.0025%); highest among the groups gnomAD compares: African/African-American, 0.021%; no homozygotes.

Submissions (6):

Genomenon, Inc
Classification: Uncertain significance for Glycogen storage disease, type II. Last evaluated: 2026-07-01. Review status: criteria provided, single submitter. Criteria: Genomenon Sequence Variant Interpretation Standards - Updated. Collection method: curation. Allele origin: germline. Affected: yes.
Comment: GAA p.Gly453Arg (c.1357G>A) is a missense variant that changes the amino acid at codon 453 from Glycine to Arginine. This variant has been observed in at least one proband with a GAA-related disorder (PMID:33073003). It is absent or not present at a significant frequency in gnomAD. In conclusion, we classify GAA p.Gly453Arg (c.1357G>A) as a variant of uncertain significance.

Labcorp Genetics (formerly Invitae), Labcorp
Classification: Uncertain significance for Glycogen storage disease, type II. Last evaluated: 2024-10-28. Review status: criteria provided, single submitter. Criteria: Invitae Variant Classification Sherloc (09022015). Collection method: clinical testing. Allele origin: germline.
Comment: This sequence change replaces glycine, which is neutral and non-polar, with arginine, which is basic and polar, at codon 453 of the GAA protein (p.Gly453Arg). This variant is present in population databases (rs550065979, gnomAD 0.02%). This variant has not been reported in the literature in individuals affected with GAA-related conditions. ClinVar contains an entry for this variant (Variation ID: 526541). Invitae Evidence Modeling of protein sequence and biophysical properties (such as structural, functional, and spatial information, amino acid conservation, physicochemical variation, residue mobility, and thermodynamic stability) indicates that this missense variant is expected to disrupt GAA protein function with a positive predictive value of 95%. In summary, the available evidence is currently insufficient to determine the role of this variant in disease. Therefore, it has been classified as a Variant of Uncertain Significance.

Revvity Omics, Revvity
Classification: Uncertain significance. Last evaluated: 2024-06-26. Review status: criteria provided, single submitter. Criteria: ACMG Guidelines, 2015. Collection method: clinical testing. Allele origin: germline.

Genome-Nilou Lab
Classification: Uncertain significance for Glycogen storage disease, type II. Last evaluated: 2021-09-05. Review status: criteria provided, single submitter. Criteria: ACMG Guidelines, 2015. Collection method: clinical testing. Allele origin: germline. Affected: no.

GeneDx
Classification: Uncertain significance. Last evaluated: 2019-04-15. Review status: criteria provided, single submitter. Criteria: GeneDx Variant Classification Process June 2021. Collection method: clinical testing. Allele origin: germline. Affected: yes.
Comment: In silico analysis, which includes protein predictors and evolutionary conservation, supports a deleterious effect; Has not been previously published as pathogenic or benign to our knowledge

Natera, Inc.
Classification: Uncertain significance for Glycogen storage disease type II. Last evaluated: 2019-10-28. Review status: no assertion criteria provided. Collection method: clinical testing. Allele origin: germline. Not counted in ClinVar's aggregate classification.

Literature cited by the submitters: PubMed 33073003 (cited by Genomenon, Inc).